The following is an entry in ClinVar:

ClinVar aggregate classification (germline): Likely benign. Review status: criteria provided, multiple submitters, no conflicts (2 of 4 stars). 2 submissions from 2 submitters: Likely benign (2). Last evaluated 2025-09-10.

Conditions:
Inborn genetic diseases. Identifiers: MedGen C0950123, MeSH D030342.

gnomAD v4.1: 27 of 1,614,092 alleles (0.0017%); highest among the groups gnomAD compares: Admixed American, 0.043%; no homozygotes.

Submissions (2):

Ambry Genetics
Classification: Likely benign for Inborn genetic diseases. Last evaluated: 2025-09-10. Review status: criteria provided, single submitter. Criteria: Ambry Variant Classification Scheme 2023. Collection method: clinical testing. Allele origin: germline.

Women's Health and Genetics/Laboratory Corporation of America, LabCorp
Classification: Likely benign. Last evaluated: 2024-09-25. Review status: criteria provided, single submitter. Criteria: LabCorp Variant Classification Summary - May 2015. Collection method: clinical testing. Allele origin: germline.
Comment: Variant summary: MED13 c.1670G>A (p.Ser557Asn) results in a conservative amino acid change in the encoded protein sequence. Four of five in-silico tools predict a benign effect of the variant on protein function. The variant allele was found at a frequency of 8.4e-05 in 249556 control chromosomes, predominantly at a frequency of ~0.0007 within the Latino subpopulation in the gnomAD database. The occurrence in several healthy controls suggests that this variant is not causal for a penetrant dominant condition. However, the association with recessive conditions (or risk associations) cannot be excluded based on this frequency. To our knowledge, no occurrence of c.1670G>A in individuals affected with Intellectual Developmental Disorder 61 and no experimental evidence demonstrating its impact on protein function have been reported. No submitters have cited clinical-significance assessments for this variant to ClinVar. Based on the evidence outlined above, the variant was classified as likely benign.

NM_005121.3(MED13):c.1670G>A (p.Ser557Asn)

Gene: MED13 (mediator complex subunit 13; minus strand). Cytogenetic location: 17q23.2.
Variant type: single nucleotide variant.
Coding change: c.1670G>A on transcript NM_005121.3 (MANE Select); coding-DNA position 1670, G replaced by A.
Protein change: p.Ser557Asn; replaces serine 557 with asparagine.
Molecular consequence: missense variant.
Genome position (GRCh38, 1-based): chr17:62,010,847, C>T on the plus strand (G>A on the coding strand, the complement: MED13 is on the minus strand). VCF-style: chr17-62010847-C-T. GRCh37 (hg19) VCF-style: chr17-60088208-C-T.
Other names: c.1670G>A (NM_005121.2); short protein forms S557N.
Identifiers: ClinVar variation 3375200 (VCV003375200.2).